The following is an entry in ClinVar:

NM_003850.3(SUCLA2):c.993A>C (p.Thr331=)

Gene: SUCLA2 (succinate-CoA ligase ADP-forming subunit beta; minus strand). Cytogenetic location: 13q14.2.
Variant type: single nucleotide variant.
Coding change: c.993A>C on transcript NM_003850.3 (MANE Select); coding-DNA position 993, A replaced by C.
Protein change: p.Thr331=; no amino-acid change (threonine 331 retained).
Molecular consequence: synonymous variant.
Genome position (GRCh38, 1-based): chr13:47,954,254, T>G on the plus strand (A>C on the coding strand, the complement: SUCLA2 is on the minus strand). VCF-style: chr13-47954254-T-G. GRCh37 (hg19) VCF-style: chr13-48528389-T-G.
Identifiers: ClinVar variation 3054377 (VCV003054377.2), dbSNP rs1205348364, ClinGen allele CA483739680.

ClinVar aggregate classification (germline): Likely benign (0 of 4 stars; one submission).

Conditions:
SUCLA2-related disorder. Also called: SUCLA2-related condition.

Submission:

PreventionGenetics, part of Exact Sciences
Classification: Likely benign for SUCLA2-related condition. Last evaluated: 2020-04-20. Review status: no assertion criteria provided. Collection method: clinical testing. Allele origin: germline.
Comment: This variant is classified as likely benign based on ACMG/AMP sequence variant interpretation guidelines (Richards et al. 2015 PMID: 25741868, with internal and published modifications).